The following is an entry in ClinVar:

NM_015512.5(DNAH1):c.9017A>T (p.Asp3006Val)

Gene: DNAH1 (dynein axonemal heavy chain 1; plus strand). Cytogenetic location: 3p21.1.
Variant type: single nucleotide variant.
Coding change: c.9017A>T on transcript NM_015512.5 (MANE Select); coding-DNA position 9017, A replaced by T.
Protein change: p.Asp3006Val; replaces aspartic acid 3006 with valine.
Molecular consequence: missense variant.
Genome position (GRCh38, 1-based): chr3:52,388,180, A>T. VCF-style: chr3-52388180-A-T. GRCh37 (hg19) VCF-style: chr3-52422196-A-T.
Other names: short protein forms D3006V.
Identifiers: ClinVar variation 1007717 (VCV001007717.5), dbSNP rs1281186930, ClinGen allele CA353193156.
Genomic context (GRCh38, chr3:52,388,180, plus strand): 5'-GTCACCCTTGAGAAGCAGCCTCTTGAGACCCAGGCTTCCCACCTCAGGACAACATTGGGG[A>T]TGTGGTGATCAAAGCCATCCAGCCGTACATCGATAATGAAGAGTTCCAGCCAGCCACCAT-3'
Protein context (NP_056327.4, residues 2996-3016): LFKFDKDNIG[Asp3006Val]VVIKAIQPYI

ClinVar aggregate classification (germline): Uncertain significance (1 of 4 stars; one submission).

Conditions:
Spermatogenic failure 18. Identifiers: MedGen C4539783, MONDO:0054615, OMIM 617576.
Ciliary dyskinesia, primary, 37 (CILD37). Also called: CILIARY DYSKINESIA, PRIMARY, 37, WITH OR WITHOUT SITUS INVERSUS. Identifiers: MedGen C4539798, MONDO:0033204, OMIM 617577.

Allele frequency attached by ClinVar (database versions not stated): gnomAD exomes below 0.00001; gnomAD 0.00001; TOPMed 0.00002.
gnomAD v4.1: 14 of 1,609,316 alleles (0.00087%); highest among the groups gnomAD compares: Non-Finnish European, 0.0012%; no homozygotes.

Submission:

Labcorp Genetics (formerly Invitae), Labcorp
Classification: Uncertain significance for Ciliary dyskinesia, primary, 37; Spermatogenic failure 18. Last evaluated: 2022-06-27. Review status: criteria provided, single submitter. Criteria: Invitae Variant Classification Sherloc (09022015). Collection method: clinical testing. Allele origin: germline.
Comment: This variant is present in population databases (no rsID available, gnomAD 0.0009%). This variant has not been reported in the literature in individuals affected with DNAH1-related conditions. ClinVar contains an entry for this variant (Variation ID: 1007717). Algorithms developed to predict the effect of missense changes on protein structure and function are either unavailable or do not agree on the potential impact of this missense change (SIFT: "Deleterious"; PolyPhen-2: "Possibly Damaging"; Align-GVGD: "Class C0"). This sequence change replaces aspartic acid, which is acidic and polar, with valine, which is neutral and non-polar, at codon 3006 of the DNAH1 protein (p.Asp3006Val). In summary, the available evidence is currently insufficient to determine the role of this variant in disease. Therefore, it has been classified as a Variant of Uncertain Significance.